The following is an entry in ClinVar:

ClinVar aggregate classification (germline): Uncertain significance (1 of 4 stars; one submission).

Submission:

Ambry Genetics
Classification: Uncertain significance. Last evaluated: 2022-10-04. Review status: criteria provided, single submitter. Criteria: Ambry Variant Classification Scheme 2023. Collection method: clinical testing. Allele origin: germline.
Comment: The p.V1487G variant (also known as c.4460T>G), located in coding exon 35 of the PRKDC gene, results from a T to G substitution at nucleotide position 4460. The valine at codon 1487 is replaced by glycine, an amino acid with dissimilar properties. This amino acid position is conserved. Since supporting evidence is limited at this time, the clinical significance of this alteration remains unclear.

NM_006904.7(PRKDC):c.4460T>G (p.Val1487Gly)

Gene: PRKDC (protein kinase, DNA-activated, catalytic subunit; minus strand). Cytogenetic location: 8q11.21.
Variant type: single nucleotide variant.
Coding change: c.4460T>G on transcript NM_006904.7 (MANE Select); coding-DNA position 4460, T replaced by G.
Protein change: p.Val1487Gly; replaces valine 1487 with glycine.
Molecular consequence: missense variant.
Genome position (GRCh38, 1-based): chr8:47,887,659, A>C on the plus strand (T>G on the coding strand, the complement: PRKDC is on the minus strand). VCF-style: chr8-47887659-A-C. GRCh37 (hg19) VCF-style: chr8-48800220-A-C.
Other names: c.4460T>G, p.Val1487Gly (NM_001081640.2); short protein forms V1487G.
Identifiers: ClinVar variation 1740777 (VCV001740777.2), dbSNP rs2551873389, ClinGen allele CA371144074.